The following is an entry in ClinVar:

ClinVar aggregate classification (germline): Benign. Review status: criteria provided, multiple submitters, no conflicts (2 of 4 stars). 2 submissions from 2 submitters: Benign (2). Last evaluated 2021-07-15.

Conditions:
3-methylglutaconic aciduria with deafness, encephalopathy, and Leigh-like syndrome (MEGDEL). Also called: 3-METHYLGLUTACONIC ACIDURIA, TYPE VI; SERAC1 Deficiency; MEGDEL syndrome. Identifiers: Orphanet 352328, MedGen C4040739, MONDO:0013875, OMIM 614739.

Allele frequency attached by ClinVar (database versions not stated): ESP Exome Variant Server 0.70623; 1000 Genomes Project 30x 0.71034; 1000 Genomes Project 0.71366; gnomAD 0.71770 and 0.71792; ExAC 0.71773; TOPMed 0.72348; gnomAD exomes 0.72414.
gnomAD v4.1: 1,007,149 of 1,428,306 alleles (71%); highest among the groups gnomAD compares: Admixed American, 83%; 356,761 homozygotes.

Submissions (2):

Genome-Nilou Lab
Classification: Benign for 3-methylglutaconic aciduria with deafness, encephalopathy, and Leigh-like syndrome. Last evaluated: 2021-07-15. Review status: criteria provided, single submitter. Criteria: ACMG Guidelines, 2015. Collection method: clinical testing. Allele origin: germline. Affected: no.

GeneDx
Classification: Benign. Last evaluated: 2018-06-14. Review status: criteria provided, single submitter. Criteria: GeneDx Variant Classification (06012015). Collection method: clinical testing. Allele origin: germline. Affected: yes.
Comment: This variant is considered likely benign or benign based on one or more of the following criteria: it is a conservative change, it occurs at a poorly conserved position in the protein, it is predicted to be benign by multiple in silico algorithms, and/or has population frequency not consistent with disease.

NM_032861.4(SERAC1):c.129-34C>G

Gene: SERAC1 (serine active site containing 1; minus strand). Cytogenetic location: 6q25.3.
Variant type: single nucleotide variant.
Coding change: c.129-34C>G on transcript NM_032861.4 (MANE Select); 34 bases into the intron before coding-DNA position 129, C replaced by G.
Molecular consequence: intron variant.
Genome position (GRCh38, 1-based): chr6:158,150,623, G>C on the plus strand (C>G on the coding strand, the complement: SERAC1 is on the minus strand). VCF-style: chr6-158150623-G-C. GRCh37 (hg19) VCF-style: chr6-158571655-G-C.
Identifiers: ClinVar variation 671614 (VCV000671614.3), dbSNP rs6929520, ClinGen allele CA4071448.